The following is an entry in ClinVar:

NM_000321.3(RB1):c.137+4A>G

Gene: RB1 (RB transcriptional corepressor 1; plus strand). Cytogenetic location: 13q14.2.
Variant type: single nucleotide variant.
Coding change: c.137+4A>G on transcript NM_000321.3 (MANE Select); 4 bases into the intron after coding-DNA position 137, A replaced by G.
Molecular consequence: intron variant.
Genome position (GRCh38, 1-based): chr13:48,304,053, A>G. VCF-style: chr13-48304053-A-G. GRCh37 (hg19) VCF-style: chr13-48878189-A-G.
Identifiers: ClinVar variation 1394073 (VCV001394073.6), dbSNP rs2138028119, ClinGen allele CA2573149555.

ClinVar aggregate classification (germline): Uncertain significance (1 of 4 stars; one submission).

Conditions:
Retinoblastoma (RB1). Also called: RETINOBLASTOMA, SOMATIC. Identifiers: Orphanet 790, MedGen C0035335, MeSH D012175, MONDO:0008380, OMIM 180200, HP:0009919. Disease mechanism: loss of function. Inheritance: Both sporadic and heritable forms are tested..

Allele frequency attached by ClinVar (database versions not stated): gnomAD exomes below 0.00001.
gnomAD v4.1: 1 of 1,428,938 alleles (0.00007%); highest among the groups gnomAD compares: South Asian, 0.0014%; no homozygotes.

Submission:

Labcorp Genetics (formerly Invitae), Labcorp
Classification: Uncertain significance for Retinoblastoma. Last evaluated: 2024-05-22. Review status: criteria provided, single submitter. Criteria: Invitae Variant Classification Sherloc (09022015). Collection method: clinical testing. Allele origin: germline.
Comment: This sequence change falls in intron 1 of the RB1 gene. It does not directly change the encoded amino acid sequence of the RB1 protein. It affects a nucleotide within the consensus splice site. This variant is not present in population databases (gnomAD no frequency). This variant has not been reported in the literature in individuals affected with RB1-related conditions. ClinVar contains an entry for this variant (Variation ID: 1394073). Variants that disrupt the consensus splice site are a relatively common cause of aberrant splicing (PMID: 17576681, 9536098). Algorithms developed to predict the effect of sequence changes on RNA splicing suggest that this variant is not likely to affect RNA splicing. In summary, the available evidence is currently insufficient to determine the role of this variant in disease. Therefore, it has been classified as a Variant of Uncertain Significance.

Literature cited by the submitters: PubMed 17576681; PubMed 9536098.